The following is an entry in ClinVar:

ClinVar aggregate classification (germline): Benign/Likely benign. Review status: criteria provided, multiple submitters, no conflicts (2 of 4 stars). 3 submissions from 3 submitters: Benign (2); Likely benign (1). Last evaluated 2026-05-01.

Allele frequency attached by ClinVar (database versions not stated): gnomAD exomes 0.00038 and 0.00211; gnomAD 0.00040; 1000 Genomes Project 0.00060; 1000 Genomes Project 30x 0.00062; TOPMed 0.00097; ExAC 0.00167.
gnomAD v4.1: 598 of 1,603,180 alleles (0.037%); highest among the groups gnomAD compares: Admixed American, 1%; 6 homozygotes.

Submissions (4):

CeGaT Center for Human Genetics Tuebingen
Classification: Likely benign. Last evaluated: 2026-05-01. Review status: criteria provided, single submitter. Criteria: CeGaT Center For Human Genetics Tuebingen Variant Classification Criteria Version 2. Collection method: clinical testing. Allele origin: germline. Affected: yes. Observed: 1 variant allele.
Comment: COL27A1: BP4, BP7, BS1

Labcorp Genetics (formerly Invitae), Labcorp
Classification: Benign. Last evaluated: 2026-01-25. Review status: criteria provided, single submitter. Criteria: Invitae Variant Classification Sherloc (09022015). Collection method: clinical testing. Allele origin: germline.

Breakthrough Genomics
Classification: Benign. Review status: criteria provided, single submitter. Criteria: ACMG Guidelines, 2015. Collection method: not provided. Allele origin: germline. Inheritance: Autosomal recessive inheritance. Affected: yes.

Dr. Peter K. Rogan Lab, Western University
No classification provided (evidence only). Condition: Thyroid cancer, nonmedullary, 1. Review status: no classification provided. Collection method: in vitro. Allele origin: not applicable. Functional consequence: retained intron. Not counted in ClinVar's aggregate classification.

NM_032888.4(COL27A1):c.3777C>G (p.Ala1259=)

Gene: COL27A1 (collagen type XXVII alpha 1 chain; plus strand). Cytogenetic location: 9q32.
Variant type: single nucleotide variant.
Coding change: c.3777C>G on transcript NM_032888.4 (MANE Select); coding-DNA position 3777, C replaced by G.
Protein change: p.Ala1259=; no amino-acid change (alanine 1259 retained).
Molecular consequence: synonymous variant.
Genome position (GRCh38, 1-based): chr9:114,282,462, C>G. VCF-style: chr9-114282462-C-G. GRCh37 (hg19) VCF-style: chr9-117044742-C-G.
Identifiers: ClinVar variation 770199 (VCV000770199.15), dbSNP rs182885514, ClinGen allele CA5202629.
Genomic context (GRCh38, chr9:114,282,462, plus strand): 5'-CTGGACCCTCCGTCCTGTTGGGCCTGGTGACAGCTTGTCTTTCCTCCTGTTGCAGGGTGC[C>G]AAGGGCTATCAAGGACAGCTGGGTGAGATGGGCGTCCCTGGAGACCCTGGACCCCCTGGC-3'
Protein context (NP_116277.2, residues 1249-1269): GEKGRTGAKG[Ala1259=]KGYQGQLGEM